The following is an entry in ClinVar:

NM_016239.4(MYO15A):c.4622C>T (p.Thr1541Met)

Gene: MYO15A (myosin XVA; plus strand). Cytogenetic location: 17p11.2.
Variant type: single nucleotide variant.
Coding change: c.4622C>T on transcript NM_016239.4 (MANE Select); coding-DNA position 4622, C replaced by T.
Protein change: p.Thr1541Met; replaces threonine 1541 with methionine.
Molecular consequence: missense variant.
Genome position (GRCh38, 1-based): chr17:18,136,442, C>T. VCF-style: chr17-18136442-C-T. GRCh37 (hg19) VCF-style: chr17-18039756-C-T.
Other names: short protein forms T1541M.
Identifiers: ClinVar variation 1309556 (VCV001309556.4), dbSNP rs780976475, ClinGen allele CA8423968.
Genomic context (GRCh38, chr17:18,136,442, plus strand): 5'-GCCTGATGTCACTCAAGGGCTGTGCCCGTCCCTAGGAGACAATGCGAGAGAAGATCTTCA[C>T]GCCCCTAACTGTGGAGAGCGCTGTGGATGCCAGGTGAGGCCACGCCCTCCCCTGCCTGAG-3'
Protein context (NP_057323.3, residues 1531-1551): VTETMREKIF[Thr1541Met]PLTVESAVDA

ClinVar aggregate classification (germline): Uncertain significance. Review status: criteria provided, multiple submitters, no conflicts (2 of 4 stars). 3 submissions from 3 submitters: Uncertain significance (3). Last evaluated 2024-01-08.

Conditions:
Inborn genetic diseases. Identifiers: MedGen C0950123, MeSH D030342.

Allele frequency attached by ClinVar (database versions not stated): gnomAD 0.00004.
gnomAD v4.1: 76 of 1,613,808 alleles (0.0047%); highest among the groups gnomAD compares: Admixed American, 0.015%; no homozygotes.

Submissions (3):

Ambry Genetics
Classification: Uncertain significance for Inborn genetic diseases. Last evaluated: 2024-01-08. Review status: criteria provided, single submitter. Criteria: Ambry Variant Classification Scheme 2023. Collection method: clinical testing. Allele origin: germline.

Blueprint Genetics
Classification: Uncertain significance. Last evaluated: 2022-06-06. Review status: criteria provided, single submitter. Criteria: ACMG Guidelines, 2015. Collection method: clinical testing. Allele origin: germline.

GeneDx
Classification: Uncertain significance. Last evaluated: 2019-10-21. Review status: criteria provided, single submitter. Criteria: GeneDx Variant Classification Process June 2021. Collection method: clinical testing. Allele origin: germline. Affected: yes.
Comment: In silico analysis, which includes protein predictors and evolutionary conservation, supports a deleterious effect; Has not been previously published as pathogenic or benign to our knowledge